The following is an entry in ClinVar:

NM_000548.5(TSC2):c.5263T>C (p.Cys1755Arg)

Gene: TSC2 (TSC complex subunit 2; plus strand). Cytogenetic location: 16p13.3.
Variant type: single nucleotide variant.
Coding change: c.5263T>C on transcript NM_000548.5 (MANE Select); coding-DNA position 5263, T replaced by C.
Protein change: p.Cys1755Arg; replaces cysteine 1755 with arginine.
Molecular consequence: missense variant.
Genome position (GRCh38, 1-based): chr16:2,088,449, T>C. VCF-style: chr16-2088449-T-C. GRCh37 (hg19) VCF-style: chr16-2138450-T-C.
Other names: c.5062T>C, p.Cys1688Arg (NM_001077183.3); c.5194T>C, p.Cys1732Arg (NM_001114382.3); c.4954T>C, p.Cys1652Arg (NM_001318827.2); c.4918T>C, p.Cys1640Arg (NM_001318829.2); c.4531T>C, p.Cys1511Arg (NM_001318831.2); c.5095T>C, p.Cys1699Arg (NM_001318832.2); c.5065T>C, p.Cys1689Arg (NM_001363528.2); c.5131T>C, p.Cys1711Arg (NM_001370404.1); and 2 more; short protein forms C1640R, C1652R, C1688R, C1689R, C1712R, C1699R, C1755R, C1511R.
Identifiers: ClinVar variation 1502933 (VCV001502933.6), dbSNP rs2151637657, ClinGen allele CA394315026.

ClinVar aggregate classification (germline): Uncertain significance (1 of 4 stars; one submission).

Conditions:
Tuberous sclerosis 2 (TSC2). Identifiers: Orphanet 805, MedGen C1860707, MONDO:0013199, OMIM 613254.

Submission:

Labcorp Genetics (formerly Invitae), Labcorp
Classification: Uncertain significance for Tuberous sclerosis 2. Last evaluated: 2021-11-11. Review status: criteria provided, single submitter. Criteria: Invitae Variant Classification Sherloc (09022015). Collection method: clinical testing. Allele origin: germline.
Comment: This sequence change replaces cysteine, which is neutral and slightly polar, with arginine, which is basic and polar, at codon 1755 of the TSC2 protein (p.Cys1755Arg). This variant is not present in population databases (gnomAD no frequency). This variant has not been reported in the literature in individuals affected with TSC2-related conditions. Advanced modeling of protein sequence and biophysical properties (such as structural, functional, and spatial information, amino acid conservation, physicochemical variation, residue mobility, and thermodynamic stability) performed at Invitae indicates that this missense variant is not expected to disrupt TSC2 protein function. In summary, the available evidence is currently insufficient to determine the role of this variant in disease. Therefore, it has been classified as a Variant of Uncertain Significance.